The following is an entry in ClinVar:

ClinVar aggregate classification (germline): Benign (1 of 4 stars; one submission).

Conditions:
Pheochromocytoma/paraganglioma syndrome 1. Also called: PARAGANGLIOMAS, FAMILIAL NONCHROMAFFIN, 1; PGL 1; Paragangliomas familial 1; PARAGANGLIOMATA; Paragangliomas 1; Glomus tumors familial 1. Identifiers: Orphanet 29072, MedGen C3494181, MONDO:0008192, OMIM 168000.

Submission:

Myriad Genetics, Inc.
Classification: Benign for Pheochromocytoma/paraganglioma syndrome 1. Last evaluated: 2025-03-17. Review status: criteria provided, single submitter. Criteria: Myriad Autosomal Dominant, Autosomal Recessive and X-Linked Classification Criteria (2023). Collection method: clinical testing. Allele origin: unknown.
Comment: This variant is considered benign. This variant is a silent/synonymous amino acid change and it is not expected to impact splicing.

NM_003002.4(SDHD):c.297C>A (p.Leu99=)

Gene: SDHD (succinate dehydrogenase complex subunit D; plus strand). Cytogenetic location: 11q23.1.
Variant type: single nucleotide variant.
Coding change: c.297C>A on transcript NM_003002.4 (MANE Select); coding-DNA position 297, C replaced by A.
Protein change: p.Leu99=; no amino-acid change (leucine 99 retained).
Molecular consequence: synonymous variant. On other transcripts: non-coding transcript variant (1), intron variant (1).
Genome position (GRCh38, 1-based): chr11:112,088,994, C>A. VCF-style: chr11-112088994-C-A. GRCh37 (hg19) VCF-style: chr11-111959718-C-A.
Other names: c.180C>A, p.Leu60= (NM_001276504.2); c.297C>A, p.Leu99= (NM_001276506.2); c.169+1021C>A (NM_001276503.2).
Identifiers: ClinVar variation 3904621 (VCV003904621.1).
Genomic context (GRCh38, chr11:112,088,994, plus strand): 5'-GCTTCCGGCTGCTTATTTGAATCCTTGCTCTGCGATGGACTATTCCCTGGCTGCAGCCCT[C>A]ACTCTTCATGGTCACTGGCAAGTATAGCAATTCCAAATATAGTTGTCTGCTCAGTTTGTT-3'
Protein context (NP_002993.1, residues 89-109): SAMDYSLAAA[Leu99=]TLHGHWGLGQ